The following is an entry in ClinVar:

NM_015443.4(KANSL1):c.1186C>T (p.Gln396Ter)

Gene: KANSL1 (KAT8 regulatory NSL complex subunit 1). Cytogenetic location: 17q21.31.
Variant type: single nucleotide variant.
Coding change: c.1186C>T on transcript NM_015443.4 (MANE Select); coding-DNA position 1186, C replaced by T.
Protein change: p.Gln396Ter; replaces glutamine 396 with a stop codon.
Molecular consequence: nonsense.
Genome position (GRCh38, 1-based): chr17:46,170,958, G>A on the plus strand (C>T on the coding strand, the complement: KANSL1 is on the minus strand). VCF-style: chr17-46170958-G-A. GRCh37 (hg19) VCF-style: chr17-44248324-G-A.
Other names: p.Q396*:CAG>TAG; c.1186C>T, p.Gln396Ter (NM_001193465.2, NM_001193466.2, NM_001379198.1); short protein forms Q396*.
Identifiers: ClinVar variation 205814 (VCV000205814.10), dbSNP rs796052603, ClinGen allele CA315255.

ClinVar aggregate classification (germline): Conflicting classifications of pathogenicity. Review status: criteria provided, conflicting classifications (1 of 4 stars). 2 submissions from 2 submitters: Likely pathogenic (1); Uncertain significance (1). Last evaluated 2020-05-20.

Conditions:
Koolen-de Vries syndrome (KDVS). Identifiers: Orphanet 96169, MedGen C1864871, MONDO:0012496, OMIM 610443.

Allele frequency attached by ClinVar (database versions not stated): gnomAD exomes below 0.00001.
gnomAD v4.1: 1 of 1,614,176 alleles (0.000062%); highest among the groups gnomAD compares: Non-Finnish European, 0.000085%; no homozygotes.

Submissions (2):

Labcorp Genetics (formerly Invitae), Labcorp
Classification: Uncertain significance for Koolen-de Vries syndrome. Last evaluated: 2020-05-20. Review status: criteria provided, single submitter. Criteria: Invitae Variant Classification Sherloc (09022015). Collection method: clinical testing. Allele origin: germline.
Comment: In summary, the available evidence is currently insufficient to determine the role of this variant in disease. Therefore, it has been classified as a Variant of Uncertain Significance. This variant has been observed in individual(s) with epilepsy and/or neurodevelopmental disorders (PMID: 29655203). ClinVar contains an entry for this variant (Variation ID: 205814). This variant is not present in population databases (ExAC no frequency). This sequence change creates a premature translational stop signal (p.Gln396*) in the KANSL1 gene. It is expected to result in an absent or disrupted protein product.

GeneDx
Classification: Likely pathogenic. Last evaluated: 2015-01-14. Review status: criteria provided, single submitter. Criteria: GeneDx Variant Classification (06012015). Collection method: clinical testing. Allele origin: germline. Affected: yes.
Comment: This variant is denoted p.Gln396Ter (CAG>TAG): c.1186 C>T in exon 2 of the KANSL1 gene (NM_001193466.1). The Q396X variant has not been published as a mutation, nor has it been reported as a benign polymorphism to our knowledge. It was not observed in approximately 6,500 individuals of European and African American ancestry in the NHLBI Exome Sequencing Project, indicating it is not a common benign variant in these populations. Nonsense mutations in the KANSL1 gene have been reported in association with Koolen-DeVries syndrome. The Q396X variant is predicted to cause loss of normal protein function either through protein truncation or nonsense-mediated mRNA decay. Therefore, this variant is a strong candidate for a pathogenic mutation, however the possibility that it is a benign variant cannot be excluded. The variant is found in EPILEPSYV2-1 panel(s).

Literature cited by the submitters: PubMed 29655203 (cited by Labcorp Genetics (formerly Invitae), Labcorp).